The following is an entry in ClinVar:

ClinVar aggregate classification (germline): Conflicting classifications of pathogenicity. Review status: criteria provided, conflicting classifications (1 of 4 stars). 3 submissions from 3 submitters: Uncertain significance (2); Likely benign (1). Last evaluated 2025-11-19.

Conditions:
Inborn genetic diseases. Identifiers: MedGen C0950123, MeSH D030342.

Allele frequency attached by ClinVar (database versions not stated): gnomAD 0.00001; TOPMed 0.00002; ExAC 0.00004.
gnomAD v4.1: 11 of 1,614,058 alleles (0.00068%); highest among the groups gnomAD compares: East Asian, 0.02%; no homozygotes.

Submissions (3):

Ambry Genetics
Classification: Uncertain significance for Inborn genetic diseases. Last evaluated: 2025-11-19. Review status: criteria provided, single submitter. Criteria: Ambry Variant Classification Scheme 2023. Collection method: clinical testing. Allele origin: germline.

Labcorp Genetics (formerly Invitae), Labcorp
Classification: Likely benign. Last evaluated: 2024-03-21. Review status: criteria provided, single submitter. Criteria: Invitae Variant Classification Sherloc (09022015). Collection method: clinical testing. Allele origin: germline.

GeneDx
Classification: Uncertain significance. Last evaluated: 2024-02-29. Review status: criteria provided, single submitter. Criteria: GeneDx Variant Classification Process June 2021. Collection method: clinical testing. Allele origin: germline. Affected: yes.
Comment: In silico analysis supports that this missense variant has a deleterious effect on protein structure/function; Has not been previously published as pathogenic or benign to our knowledge; Occurs in the triple helical domain at the Y position in the canonical Gly-X-Y repeat; although this variant may have an effect on normal protein folding and function, missense substitution at the Y position is not a common mechanism of disease

NM_000092.5(COL4A4):c.3085C>T (p.Pro1029Ser)

Gene: COL4A4 (collagen type IV alpha 4 chain; minus strand). Cytogenetic location: 2q36.3.
Variant type: single nucleotide variant.
Coding change: c.3085C>T on transcript NM_000092.5 (MANE Select); coding-DNA position 3085, C replaced by T.
Protein change: p.Pro1029Ser; replaces proline 1029 with serine.
Molecular consequence: missense variant.
Genome position (GRCh38, 1-based): chr2:227,051,042, G>A on the plus strand (C>T on the coding strand, the complement: COL4A4 is on the minus strand). VCF-style: chr2-227051042-G-A. GRCh37 (hg19) VCF-style: chr2-227915758-G-A.
Other names: short protein forms P1029S.
Identifiers: ClinVar variation 2143660 (VCV002143660.8), dbSNP rs760539669, ClinGen allele CA2144638.